The following is an entry in ClinVar:

NM_000138.5(FBN1):c.6380-2A>G

Gene: FBN1 (fibrillin 1; minus strand). Cytogenetic location: 15q21.1.
Variant type: single nucleotide variant.
Coding change: c.6380-2A>G on transcript NM_000138.5 (MANE Select); the canonical splice acceptor site of the intron before coding-DNA position 6380, A replaced by G.
Molecular consequence: splice acceptor variant.
Genome position (GRCh38, 1-based): chr15:48,437,079, T>C on the plus strand (A>G on the coding strand, the complement: FBN1 is on the minus strand). VCF-style: chr15-48437079-T-C. GRCh37 (hg19) VCF-style: chr15-48729276-T-C.
Other names: c.6380-2A>G (NM_001406716.1).
Identifiers: ClinVar variation 527170 (VCV000527170.8), dbSNP rs886041482, ClinGen allele CA392336727.
Genomic context (GRCh38, chr15:48,437,079, plus strand): 5'-ATCTGTATTGATGCACTGTCCATGTTTACAGACATCGGGTTCTTTGCATTCGTCCATATC[T>C]TAAGCAAGAGAAAAAAAATAGTGAATAACAAGGTATTTTTTAAACGTGAAGATAAATTAT-3'

ClinVar aggregate classification (germline): Likely pathogenic (1 of 4 stars; one submission).

Conditions:
Familial thoracic aortic aneurysm and aortic dissection (TAAD). Also called: Thoracic aortic aneurysms and dissections. Identifiers: Orphanet 91387, MedGen C4707243, MONDO:0019625.
Marfan syndrome (MFS). Also called: Marfan syndrome type 1; Marfan syndrome, classic; Marfan's syndrome; FBN1-Related Marfan Syndrome; MARFAN SYNDROME, TYPE I. Identifiers: Orphanet 284963, Orphanet 558, MedGen C0024796, MONDO:0007947, OMIM 154700.

Submission:

Labcorp Genetics (formerly Invitae), Labcorp
Classification: Likely pathogenic for Marfan syndrome; Familial thoracic aortic aneurysm and aortic dissection. Last evaluated: 2022-08-16. Review status: criteria provided, single submitter. Criteria: Invitae Variant Classification Sherloc (09022015). Collection method: clinical testing. Allele origin: germline.
Comment: This sequence change affects an acceptor splice site in intron 52 of the FBN1 gene. It is expected to disrupt RNA splicing. Variants that disrupt the donor or acceptor splice site typically lead to a loss of protein function (PMID: 16199547), and loss-of-function variants in FBN1 are known to be pathogenic (PMID: 17657824, 19293843). This variant is not present in population databases (gnomAD no frequency). This variant has not been reported in the literature in individuals affected with FBN1-related conditions. ClinVar contains an entry for this variant (Variation ID: 527170). Algorithms developed to predict the effect of sequence changes on RNA splicing suggest that this variant may disrupt the consensus splice site. In summary, the currently available evidence indicates that the variant is pathogenic, but additional data are needed to prove that conclusively. Therefore, this variant has been classified as Likely Pathogenic.

Literature cited by the submitters: PubMed 16199547; PubMed 17657824; PubMed 19293843.